The following is an entry in ClinVar:

ClinVar aggregate classification (germline): Conflicting classifications of pathogenicity. Review status: criteria provided, conflicting classifications (1 of 4 stars). 4 submissions from 4 submitters: Uncertain significance (1); Benign (1); Likely benign (2). Last evaluated 2024-08-15.

Conditions:
Cornelia de Lange syndrome 1 (CDLS1). Also called: NIPBL-Related Cornelia de Lange Syndrome; Brachmann de Lange syndrome; TYPUS DEGENERATIVUS AMSTELODAMENSIS. Identifiers: Orphanet 199, MedGen C4551851, MONDO:0007387, OMIM 122470.
Inborn genetic diseases. Identifiers: MedGen C0950123, MeSH D030342.

Allele frequency attached by ClinVar (database versions not stated): gnomAD 0.00003; gnomAD exomes 0.00005; ExAC 0.00006; TOPMed 0.00007.
gnomAD v4.1: 130 of 1,613,832 alleles (0.0081%); highest among the groups gnomAD compares: Non-Finnish European, 0.011%; no homozygotes.

Submissions (4):

Labcorp Genetics (formerly Invitae), Labcorp
Classification: Benign for Cornelia de Lange syndrome 1. Last evaluated: 2024-08-15. Review status: criteria provided, single submitter. Criteria: Invitae Variant Classification Sherloc (09022015). Collection method: clinical testing. Allele origin: germline.

Genome-Nilou Lab
Classification: Likely benign for Cornelia de Lange syndrome 1. Last evaluated: 2021-07-15. Review status: criteria provided, single submitter. Criteria: ACMG Guidelines, 2015. Collection method: clinical testing. Allele origin: germline. Affected: no.

Ambry Genetics
Classification: Uncertain significance for Inborn genetic diseases. Last evaluated: 2016-09-14. Review status: criteria provided, single submitter. Criteria: Ambry Variant Classification Scheme 2023. Collection method: clinical testing. Allele origin: germline.
Comment: The p.G923V variant (also known as c.2768G>T), located in coding exon 9 of the NIPBL gene, results from a G to T substitution at nucleotide position 2768. The glycine at codon 923 is replaced by valine, an amino acid with dissimilar properties. This variant was previously reported in the SNPDatabase as rs200991784. This variant was not reported in population-based cohorts in the following databases: NHLBI Exome Sequencing Project (ESP) and 1000 Genomes Project. In the ESP, this variant was not observed in 6,503 samples (13,006 alleles) with coverage at this position. This amino acid position is not well conserved in available vertebrate species. In addition, the in silico prediction for this alteration is inconclusive. Since supporting evidence is limited at this time, the clinical significance of this variant remains unclear.

GeneDx
Classification: Likely benign. Last evaluated: 2015-10-30. Review status: criteria provided, single submitter. Criteria: GeneDx Variant Classification (06012015). Collection method: clinical testing. Allele origin: germline. Affected: yes.
Comment: This variant is considered likely benign or benign based on one or more of the following criteria: it is a conservative change, it occurs at a poorly conserved position in the protein, it is predicted to be benign by multiple in silico algorithms, and/or has population frequency not consistent with disease.

NM_133433.4(NIPBL):c.2768G>T (p.Gly923Val)

Gene: NIPBL (NIPBL cohesin loading factor; plus strand). Cytogenetic location: 5p13.2.
Variant type: single nucleotide variant.
Coding change: c.2768G>T on transcript NM_133433.4 (MANE Select); coding-DNA position 2768, G replaced by T.
Protein change: p.Gly923Val; replaces glycine 923 with valine.
Molecular consequence: missense variant.
Genome position (GRCh38, 1-based): chr5:36,985,948, G>T. VCF-style: chr5-36985948-G-T. GRCh37 (hg19) VCF-style: chr5-36986050-G-T.
Other names: c.2768G>T, p.Gly923Val (NM_015384.5); short protein forms G923V.
Identifiers: ClinVar variation 380347 (VCV000380347.18), dbSNP rs200991784, ClinGen allele CA3236224.